The following is an entry in ClinVar:

ClinVar aggregate classification (germline): Pathogenic (1 of 4 stars; one submission).

Conditions:
Familial thoracic aortic aneurysm and aortic dissection (TAAD). Also called: Thoracic aortic aneurysms and dissections. Identifiers: Orphanet 91387, MedGen C4707243, MONDO:0019625.

Submission:

Ambry Genetics
Classification: Pathogenic for Familial thoracic aortic aneurysm and aortic dissection. Last evaluated: 2016-06-29. Review status: criteria provided, single submitter. Criteria: Ambry Variant Classification Scheme 2023. Collection method: clinical testing. Allele origin: germline.
Comment: The c.2168-2A>G intronic pathogenic mutation results from an A to G substitution two nucleotides upstream from coding exon 18 in the FBN1 gene. This alteration has been reported in a patient with classic Marfan syndrome (Katzke S et al. Hum Mutat. 2002;20(3):197-208 (reported as IVS17-2A>G)). In addition to the clinical data presented in the literature, alterations that disrupt the canonical splice site are expected to cause aberrant splicing, resulting in an abnormal protein or a transcript that is subject to nonsense-mediated mRNA decay. As such, this alteration is classified as pathogenic.

Literature cited by the submitters: PubMed 12203992.

NM_000138.5(FBN1):c.2168-2A>G

Gene: FBN1 (fibrillin 1; minus strand). Cytogenetic location: 15q21.1.
Variant type: single nucleotide variant.
Coding change: c.2168-2A>G on transcript NM_000138.5 (MANE Select); the canonical splice acceptor site of the intron before coding-DNA position 2168, A replaced by G.
Molecular consequence: splice acceptor variant.
Genome position (GRCh38, 1-based): chr15:48,497,393, T>C on the plus strand (A>G on the coding strand, the complement: FBN1 is on the minus strand). VCF-style: chr15-48497393-T-C. GRCh37 (hg19) VCF-style: chr15-48789590-T-C.
Other names: c.2168-2A>G (NM_001406716.1).
Identifiers: ClinVar variation 519725 (VCV000519725.5), dbSNP rs1555399388, ClinGen allele CA392335960.